The following is an entry in ClinVar:

ClinVar aggregate classification (germline): Uncertain significance. Review status: criteria provided, multiple submitters, no conflicts (2 of 4 stars). 3 submissions from 3 submitters: Uncertain significance (3). Last evaluated 2025-12-30.

Conditions:
Inborn genetic diseases. Identifiers: MedGen C0950123, MeSH D030342.

Allele frequency attached by ClinVar (database versions not stated): gnomAD 0.00001; gnomAD exomes 0.00001; TOPMed 0.00001.
gnomAD v4.1: 13 of 1,613,912 alleles (0.00081%); highest among the groups gnomAD compares: Non-Finnish European, 0.0011%; no homozygotes.

Submissions (3):

Women's Health and Genetics/Laboratory Corporation of America, LabCorp
Classification: Uncertain significance. Last evaluated: 2025-12-30. Review status: criteria provided, single submitter. Criteria: LabCorp Variant Classification Summary - May 2015. Collection method: clinical testing. Allele origin: germline.
Comment: Variant summary: ATP6V1A c.512G>A (p.Arg171Gln) results in a conservative amino acid change in the encoded protein sequence. Algorithms developed to predict the effect of missense changes on protein structure and function are either unavailable or do not agree on the potential impact of this missense change. The variant allele was found at a frequency of 8e-06 in 251364 control chromosomes. The available data on variant occurrences in the general population are insufficient to allow any conclusion about variant significance. To our knowledge, no occurrence of c.512G>A in individuals affected with ATP6V1A-related conditions and no experimental evidence demonstrating its impact on protein function have been reported. ClinVar contains an entry for this variant (Variation ID: 2955187). Based on the evidence outlined above, the variant was classified as uncertain significance.

Ambry Genetics
Classification: Uncertain significance for Inborn genetic diseases. Last evaluated: 2025-09-30. Review status: criteria provided, single submitter. Criteria: Ambry Variant Classification Scheme 2023. Collection method: clinical testing. Allele origin: germline.

Labcorp Genetics (formerly Invitae), Labcorp
Classification: Uncertain significance. Last evaluated: 2025-08-24. Review status: criteria provided, single submitter. Criteria: Invitae Variant Classification Sherloc (09022015). Collection method: clinical testing. Allele origin: germline.
Comment: This sequence change replaces arginine, which is basic and polar, with glutamine, which is neutral and polar, at codon 171 of the ATP6V1A protein (p.Arg171Gln). This variant is present in population databases (no rsID available, gnomAD 0.002%). This variant has not been reported in the literature in individuals affected with ATP6V1A-related conditions. ClinVar contains an entry for this variant (Variation ID: 2955187). Invitae Evidence Modeling of protein sequence and biophysical properties (such as structural, functional, and spatial information, amino acid conservation, physicochemical variation, residue mobility, and thermodynamic stability) indicates that this missense variant is not expected to disrupt ATP6V1A protein function with a negative predictive value of 80%. In summary, the available evidence is currently insufficient to determine the role of this variant in disease. Therefore, it has been classified as a Variant of Uncertain Significance.

NM_001690.4(ATP6V1A):c.512G>A (p.Arg171Gln)

Gene: ATP6V1A (ATPase H+ transporting V1 subunit A; plus strand). Cytogenetic location: 3q13.31.
Variant type: single nucleotide variant.
Coding change: c.512G>A on transcript NM_001690.4 (MANE Select); coding-DNA position 512, G replaced by A.
Protein change: p.Arg171Gln; replaces arginine 171 with glutamine.
Molecular consequence: missense variant.
Genome position (GRCh38, 1-based): chr3:113,784,781, G>A. VCF-style: chr3-113784781-G-A. GRCh37 (hg19) VCF-style: chr3-113503628-G-A.
Other names: c.512G>A (NM_001690.3); short protein forms R171Q.
Identifiers: ClinVar variation 2955187 (VCV002955187.5), dbSNP rs922143048, ClinGen allele CA81620908.
Genomic context (GRCh38, chr3:113,784,781, plus strand): 5'-ACATTTATGGAATTGTCAGTGAGAACTCGCTTATCAAACACAAAATCATGTTACCCCCAC[G>A]AAACAGAGGAACTGTAACTTACATTGCTCCACCTGGGAATTATGATACCTCTGTAAGTAT-3'
Protein context (NP_001681.2, residues 161-181): LIKHKIMLPP[Arg171Gln]NRGTVTYIAP